The following is an entry in ClinVar:

NM_206926.2(SELENON):c.523_524delinsGC (p.Phe175Ala)

Gene: SELENON (selenoprotein N; plus strand). Cytogenetic location: 1p36.11.
Variant type: Indel.
Coding change: c.523_524delinsGC on transcript NM_206926.2 (MANE Select); coding-DNA positions 523 to 524, TT replaced by GC.
Protein change: p.Phe175Ala; replaces phenylalanine 175 with alanine.
Molecular consequence: missense variant.
Genome position (GRCh38, 1-based): chr1:25,808,667-25,808,668, TT replaced by GC. VCF-style: chr1-25808667-TT-GC. GRCh37 (hg19) VCF-style: chr1-26135158-TT-GC.
Other names: c.625_626delinsGC, p.Phe209Ala (NM_020451.3); short protein forms F175A, F209A.
Identifiers: ClinVar variation 3617295 (VCV003617295.2).

ClinVar aggregate classification (germline): Uncertain significance (1 of 4 stars; one submission).

Conditions:
Eichsfeld type congenital muscular dystrophy (CMYO3). Also called: MYOPATHY, SEPN1-RELATED; SELENON-related myopathy; Congenital myopathy 3 with rigid spine; Rigid spine muscular dystrophy 1. Identifiers: MedGen C0410180, MONDO:0100100, OMIM 602771.

Submission:

Labcorp Genetics (formerly Invitae), Labcorp
Classification: Uncertain significance for Eichsfeld type congenital muscular dystrophy. Last evaluated: 2024-11-03. Review status: criteria provided, single submitter. Criteria: Invitae Variant Classification Sherloc (09022015). Collection method: clinical testing. Allele origin: germline.
Comment: This sequence change replaces phenylalanine, which is neutral and non-polar, with alanine, which is neutral and non-polar, at codon 209 of the SELENON protein (p.Phe209Ala). Information on the frequency of this variant in the gnomAD database is not available, as this variant may be reported differently in the database. This variant has not been reported in the literature in individuals affected with SELENON-related conditions. An algorithm developed to predict the effect of missense changes on protein structure and function (PolyPhen-2) suggests that this variant is likely to be tolerated. In summary, the available evidence is currently insufficient to determine the role of this variant in disease. Therefore, it has been classified as a Variant of Uncertain Significance.